The following is an entry in ClinVar:

ClinVar aggregate classification (germline): Pathogenic/Likely pathogenic. Review status: criteria provided, multiple submitters, no conflicts (2 of 4 stars). 2 submissions from 2 submitters: Pathogenic (1); Likely pathogenic (1). Last evaluated 2024-02-13.

Conditions:
Familial thoracic aortic aneurysm and aortic dissection (TAAD). Also called: Thoracic aortic aneurysms and dissections. Identifiers: Orphanet 91387, MedGen C4707243, MONDO:0019625.
Marfan syndrome (MFS). Also called: MARFAN SYNDROME, TYPE I; Marfan syndrome type 1; Marfan's syndrome; Marfan syndrome, classic; FBN1-Related Marfan Syndrome. Identifiers: Orphanet 284963, Orphanet 558, MedGen C0024796, MONDO:0007947, OMIM 154700.

Submissions (2):

Color Diagnostics, LLC DBA Color Health
Classification: Pathogenic for Familial thoracic aortic aneurysm and aortic dissection. Last evaluated: 2024-02-13. Review status: criteria provided, single submitter. Criteria: ACMG Guidelines, 2015. Collection method: clinical testing. Allele origin: germline.
Comment: This variant deletes 1 nucleotide in exon 11/66 of the FBN1 gene, creating a frameshift and premature translation stop signal. This variant is expected to result in an absent or non-functional protein product. To our knowledge, this variant has not been reported in individuals affected with FBN1-related disorders in the literature. This variant has not been identified in the general population by the Genome Aggregation Database (gnomAD). Loss of FBN1 function is a known mechanism of disease. Based on the available evidence, this variant is classified as Pathogenic.

All of Us Research Program, National Institutes of Health
Classification: Likely pathogenic for Marfan syndrome. Last evaluated: 2023-12-15. Review status: criteria provided, single submitter. Criteria: ACMG Guidelines, 2015. Collection method: clinical testing. Allele origin: germline. Inheritance: Autosomal dominant inheritance. Observed: 1 variant allele, 1 heterozygote.
Comment: This variant is predicted to result in loss of protein function through nonsense-mediated or protein truncation. Loss of function is an established mechanism of disease. This prediction has not been confirmed by functional studies. This variant has been reported in one individual with Marfan syndrome (PMID: 25944730). This variant is absent from or rare in large population databases, including the Genome Aggregation Database.

This study involves interpretation of variants in research participants for the purpose of population health screening. Participant phenotype was not available at the time of variant classification. Additional details can be found in publication PMID: 35346344, PMCID: PMC8962531

Literature cited by the submitters: PubMed 25944730 (cited by All of Us Research Program, National Institutes of Health).

NM_000138.5(FBN1):c.1160del (p.Lys387fs)

Gene: FBN1 (fibrillin 1; minus strand). Cytogenetic location: 15q21.1.
Variant type: Deletion.
Coding change: c.1160del on transcript NM_000138.5 (MANE Select); coding-DNA position 1160, one base deleted (A; older notation c.1160delA).
Protein change: p.Lys387fs; shifts the reading frame from lysine 387.
Molecular consequence: frameshift variant.
Genome position (GRCh38, 1-based): chr15:48,516,350, T deleted on the plus strand (A on the coding strand, the reverse complement: FBN1 is on the minus strand); the first of 2 consecutive T bases (chr15:48,516,350-48,516,351); deleting either gives the same sequence. VCF-style (leftmost placement, unchanged base first): chr15-48516349-CT-C. GRCh37 (hg19) VCF-style: chr15-48808546-CT-C.
Other names: c.1160del, p.Lys387fs (NM_001406716.1); short protein forms K387fs.
Identifiers: ClinVar variation 3074950 (VCV003074950.2), dbSNP rs2505619986, ClinGen allele CA2695220405.